The following is an entry in ClinVar:

NM_001042492.3(NF1):c.5744del (p.Leu1915fs)

Gene: NF1 (neurofibromin 1; plus strand). Cytogenetic location: 17q11.2.
Variant type: Deletion.
Coding change: c.5744del on transcript NM_001042492.3 (MANE Select); coding-DNA position 5744, one base deleted (T; older notation c.5744delT).
Protein change: p.Leu1915fs; shifts the reading frame from leucine 1915.
Molecular consequence: frameshift variant.
Genome position (GRCh38, 1-based): chr17:31,330,430, T deleted. VCF-style (leftmost placement, unchanged base first): chr17-31330429-CT-C. GRCh37 (hg19) VCF-style: chr17-29657447-CT-C.
Other names: c.5681delT, p.Leu1894Argfs (NM_000267.4); short protein forms L1894fs, L1915fs.
Identifiers: ClinVar variation 2134421 (VCV002134421.4), dbSNP rs2508719041, ClinGen allele CA2580093385.

ClinVar aggregate classification (germline): Pathogenic (1 of 4 stars; one submission).

Conditions:
Neurofibromatosis, type 1 (NF1). Also called: Peripheral type neurofibromatosis; NEUROFIBROMATOSIS, TYPE I, SOMATIC; Neurofibromatosis, type I; VON RECKLINGHAUSEN DISEASE. Identifiers: Orphanet 636, MedGen C0027831, MONDO:0018975, OMIM 162200. Disease mechanism: loss of function.

Submission:

Labcorp Genetics (formerly Invitae), Labcorp
Classification: Pathogenic for Neurofibromatosis, type 1. Last evaluated: 2022-05-05. Review status: criteria provided, single submitter. Criteria: Invitae Variant Classification Sherloc (09022015). Collection method: clinical testing. Allele origin: germline.
Comment: For these reasons, this variant has been classified as Pathogenic. Algorithms developed to predict the effect of sequence changes on RNA splicing suggest that this variant may disrupt the consensus splice site. This variant has not been reported in the literature in individuals affected with NF1-related conditions. This variant is not present in population databases (gnomAD no frequency). This sequence change creates a premature translational stop signal (p.Leu1894Argfs*10) in the NF1 gene. It is expected to result in an absent or disrupted protein product. Loss-of-function variants in NF1 are known to be pathogenic (PMID: 10712197, 23913538).

Literature cited by the submitters: PubMed 10712197; PubMed 23913538.